The following is an entry in ClinVar:

NM_018723.4(RBFOX1):c.763G>A (p.Gly255Ser)

Gene: RBFOX1 (RNA binding fox-1 homolog 1; plus strand). Cytogenetic location: 16p13.3.
Variant type: single nucleotide variant.
Coding change: c.763G>A on transcript NM_018723.4 (MANE Select); coding-DNA position 763, G replaced by A.
Protein change: p.Gly255Ser; replaces glycine 255 with serine.
Molecular consequence: missense variant.
Genome position (GRCh38, 1-based): chr16:7,653,820, G>A. VCF-style: chr16-7653820-G-A. GRCh37 (hg19) VCF-style: chr16-7703822-G-A.
Other names: c.682G>A, p.Gly228Ser (NM_001142333.2); c.763G>A, p.Gly255Ser (NM_001142334.2, NM_001364800.2); c.892G>A, p.Gly298Ser (NM_001308117.1, NM_001411047.1, NM_001415891.1 and 1 more transcripts); c.1360G>A, p.Gly454Ser (NM_001415887.1); c.1279G>A, p.Gly427Ser (NM_001415888.1); c.871G>A, p.Gly291Ser (NM_001415889.1, NM_001415892.1, NM_001415894.1 and 1 more transcripts); c.838G>A, p.Gly280Ser (NM_001415890.1, NM_001415893.1, NM_001415899.1 and 1 more transcripts); c.823G>A, p.Gly275Ser (NM_001415896.1, NM_001415904.1, NM_145891.3 and 2 more transcripts); and 12 more; short protein forms G230S, G264S, G275S, G454S, G224S, G249S, G267S, G271S.
Identifiers: ClinVar variation 4691360 (VCV004691360.1).

ClinVar aggregate classification (germline): Uncertain significance (1 of 4 stars; one submission).

Conditions:
Idiopathic generalized epilepsy. Also called: Generalised epilepsy; EIG. Identifiers: MedGen C0270850, MONDO:0005579, OMIM 600669.

Submission:

Labcorp Genetics (formerly Invitae), Labcorp
Classification: Uncertain significance for Idiopathic generalized epilepsy. Last evaluated: 2025-03-09. Review status: criteria provided, single submitter. Criteria: Invitae Variant Classification Sherloc (09022015). Collection method: clinical testing. Allele origin: germline.
Comment: This sequence change replaces glycine, which is neutral and non-polar, with serine, which is neutral and polar, at codon 275 of the RBFOX1 protein (p.Gly275Ser). This variant is not present in population databases (gnomAD no frequency). This variant has not been reported in the literature in individuals affected with RBFOX1-related conditions. Invitae Evidence Modeling of protein sequence and biophysical properties (such as structural, functional, and spatial information, amino acid conservation, physicochemical variation, residue mobility, and thermodynamic stability) indicates that this missense variant is not expected to disrupt RBFOX1 protein function with a negative predictive value of 80%. In summary, the available evidence is currently insufficient to determine the role of this variant in disease. Therefore, it has been classified as a Variant of Uncertain Significance.